The following is an entry in ClinVar:

NM_001673.5(ASNS):c.1535C>A (p.Thr512Asn)

Genes: ASNS (asparagine synthetase (glutamine-hydrolyzing); minus strand), CZ1P-ASNS (CZ1P-ASNS readthrough; minus strand). Cytogenetic location: 7q21.3.
Variant type: single nucleotide variant.
Coding change: c.1535C>A on transcript NM_001673.5 (MANE Select); coding-DNA position 1535, C replaced by A.
Protein change: p.Thr512Asn; replaces threonine 512 with asparagine.
Molecular consequence: missense variant. On other transcripts: non-coding transcript variant (1).
Genome position (GRCh38, 1-based): chr7:97,852,410, G>T on the plus strand (C>A on the coding strand, the complement: ASNS is on the minus strand). VCF-style: chr7-97852410-G-T. GRCh37 (hg19) VCF-style: chr7-97481722-G-T.
Other names: c.1472C>A, p.Thr491Asn (NM_001178075.2); c.1286C>A, p.Thr429Asn (NM_001178076.2, NM_001178077.1); c.1535C>A, p.Thr512Asn (NM_001352496.2, NM_133436.3, NM_183356.4); short protein forms T429N, T512N, T491N.
Identifiers: ClinVar variation 1518692 (VCV001518692.5), dbSNP rs761677126, ClinGen allele CA4354479.

ClinVar aggregate classification (germline): Uncertain significance (1 of 4 stars; one submission).

Allele frequency attached by ClinVar (database versions not stated): ExAC 0.00001; gnomAD 0.00001; gnomAD exomes 0.00001; TOPMed 0.00003.
gnomAD v4.1: 5 of 1,614,020 alleles (0.00031%); highest among the groups gnomAD compares: African/African-American, 0.0013%; no homozygotes.

Submission:

Labcorp Genetics (formerly Invitae), Labcorp
Classification: Uncertain significance. Last evaluated: 2021-09-17. Review status: criteria provided, single submitter. Criteria: Invitae Variant Classification Sherloc (09022015). Collection method: clinical testing. Allele origin: germline.
Comment: This sequence change replaces threonine with asparagine at codon 512 of the ASNS protein (p.Thr512Asn). The threonine residue is highly conserved and there is a small physicochemical difference between threonine and asparagine. This variant is present in population databases (rs761677126, ExAC 0.01%). This variant has not been reported in the literature in individuals affected with ASNS-related conditions. Algorithms developed to predict the effect of missense changes on protein structure and function are either unavailable or do not agree on the potential impact of this missense change (SIFT: "Deleterious"; PolyPhen-2: "Possibly Damaging"; Align-GVGD: "Class C0"). In summary, the available evidence is currently insufficient to determine the role of this variant in disease. Therefore, it has been classified as a Variant of Uncertain Significance.